The following is an entry in ClinVar:

NM_005477.3(HCN4):c.34C>T (p.Leu12Phe)

Gene: HCN4 (hyperpolarization activated cyclic nucleotide gated potassium channel 4; minus strand). Cytogenetic location: 15q24.1.
Variant type: single nucleotide variant.
Coding change: c.34C>T on transcript NM_005477.3 (MANE Select); coding-DNA position 34, C replaced by T.
Protein change: p.Leu12Phe; replaces leucine 12 with phenylalanine.
Molecular consequence: missense variant.
Genome position (GRCh38, 1-based): chr15:73,368,237, G>A on the plus strand (C>T on the coding strand, the complement: HCN4 is on the minus strand). VCF-style: chr15-73368237-G-A. GRCh37 (hg19) VCF-style: chr15-73660578-G-A.
Other names: short protein forms L12F.
Identifiers: ClinVar variation 1948939 (VCV001948939.5), dbSNP rs1247194443, ClinGen allele CA393099230.

ClinVar aggregate classification (germline): Uncertain significance (1 of 4 stars; one submission).

Conditions:
Brugada syndrome 8 (BRGDA8). Identifiers: Orphanet 130, MedGen C2751083, MONDO:0013148, OMIM 613123.

Allele frequency attached by ClinVar (database versions not stated): gnomAD exomes below 0.00001; TOPMed below 0.00001.
gnomAD v4.1: 1 of 1,512,728 alleles (0.000066%); highest among the groups gnomAD compares: Non-Finnish European, 0.000088%; no homozygotes.

Submission:

Labcorp Genetics (formerly Invitae), Labcorp
Classification: Uncertain significance for Brugada syndrome 8. Last evaluated: 2022-04-04. Review status: criteria provided, single submitter. Criteria: Invitae Variant Classification Sherloc (09022015). Collection method: clinical testing. Allele origin: germline.
Comment: This variant is not present in population databases (gnomAD no frequency). In summary, the available evidence is currently insufficient to determine the role of this variant in disease. Therefore, it has been classified as a Variant of Uncertain Significance. Advanced modeling of protein sequence and biophysical properties (such as structural, functional, and spatial information, amino acid conservation, physicochemical variation, residue mobility, and thermodynamic stability) performed at Invitae indicates that this missense variant is not expected to disrupt HCN4 protein function. This variant has not been reported in the literature in individuals affected with HCN4-related conditions. This sequence change replaces leucine, which is neutral and non-polar, with phenylalanine, which is neutral and non-polar, at codon 12 of the HCN4 protein (p.Leu12Phe).